The following is an entry in ClinVar:

NM_001270.4(CHD1):c.3501A>G (p.Arg1167=)

Gene: CHD1 (chromodomain helicase DNA binding protein 1; minus strand). Cytogenetic location: 5q15.
Variant type: single nucleotide variant.
Coding change: c.3501A>G on transcript NM_001270.4 (MANE Select); coding-DNA position 3501, A replaced by G.
Protein change: p.Arg1167=; no amino-acid change (arginine 1167 retained).
Molecular consequence: synonymous variant. On other transcripts: non-coding transcript variant (2).
Genome position (GRCh38, 1-based): chr5:98,873,663, T>C on the plus strand (A>G on the coding strand, the complement: CHD1 is on the minus strand). VCF-style: chr5-98873663-T-C. GRCh37 (hg19) VCF-style: chr5-98209367-T-C.
Other names: c.3501A>G, p.Arg1167= (NM_001364113.3, NM_001376194.2).
Identifiers: ClinVar variation 3389798 (VCV003389798.14).
Genomic context (GRCh38, chr5:98,873,663, plus strand): 5'-TGTTCCTGAAGAACTATCCTTTAATGCTTTAATGCAACCATTATGTACCAATTCTCCCAG[T>C]CGTCTAAGGTCTGTTTCTGACTTATCAACTAACTCAGCATCTCGAGCAATTGCATCTAAT-3'
Protein context (NP_001261.2, residues 1157-1177): LVDKSETDLR[Arg1167=]LGELVHNGCI

ClinVar aggregate classification (germline): Likely benign (1 of 4 stars; one submission).

Submission:

CeGaT Center for Human Genetics Tuebingen
Classification: Likely benign. Last evaluated: 2024-10-01. Review status: criteria provided, single submitter. Criteria: CeGaT Center For Human Genetics Tuebingen Variant Classification Criteria Version 2. Collection method: clinical testing. Allele origin: germline. Affected: yes. Observed: 1 variant allele.
Comment: CHD1: PM2:Supporting, BP4, BP7